The following is an entry in ClinVar:

ClinVar aggregate classification (germline): Uncertain significance (1 of 4 stars; one submission).

Submission:

Labcorp Genetics (formerly Invitae), Labcorp
Classification: Uncertain significance. Last evaluated: 2022-09-08. Review status: criteria provided, single submitter. Criteria: Invitae Variant Classification Sherloc (09022015). Collection method: clinical testing. Allele origin: germline.
Comment: This sequence change replaces serine, which is neutral and polar, with threonine, which is neutral and polar, at codon 47 of the ORC6 protein (p.Ser47Thr). This variant is present in population databases (no rsID available, gnomAD 0.007%). This variant has not been reported in the literature in individuals affected with ORC6-related conditions. ClinVar contains an entry for this variant (Variation ID: 1402329). Algorithms developed to predict the effect of missense changes on protein structure and function (SIFT, PolyPhen-2, Align-GVGD) all suggest that this variant is likely to be tolerated. In summary, the available evidence is currently insufficient to determine the role of this variant in disease. Therefore, it has been classified as a Variant of Uncertain Significance.

NM_014321.4(ORC6):c.140G>C (p.Ser47Thr)

Gene: ORC6 (origin recognition complex subunit 6; plus strand). Cytogenetic location: 16q11.2.
Variant type: single nucleotide variant.
Coding change: c.140G>C on transcript NM_014321.4 (MANE Select); coding-DNA position 140, G replaced by C.
Protein change: p.Ser47Thr; replaces serine 47 with threonine.
Molecular consequence: missense variant. On other transcripts: non-coding transcript variant (1).
Genome position (GRCh38, 1-based): chr16:46,691,065, G>C. VCF-style: chr16-46691065-G-C. GRCh37 (hg19) VCF-style: chr16-46724977-G-C.
Other names: short protein forms S47T.
Identifiers: ClinVar variation 1402329 (VCV001402329.3), dbSNP rs958892400, ClinGen allele CA280228330.